The following is an entry in ClinVar:

ClinVar aggregate classification (germline): Uncertain significance (1 of 4 stars; one submission).

Conditions:
Hereditary cancer-predisposing syndrome. Also called: Neoplastic Syndromes, Hereditary; Tumor predisposition; Hereditary Cancer Syndrome; Hereditary neoplastic syndrome. Identifiers: Orphanet 140162, MedGen C0027672, MeSH D009386, MONDO:0015356.

Submission:

Color Diagnostics, LLC DBA Color Health
Classification: Uncertain significance for Hereditary cancer-predisposing syndrome. Last evaluated: 2023-12-04. Review status: criteria provided, single submitter. Criteria: ACMG Guidelines, 2015. Collection method: clinical testing. Allele origin: germline.
Comment: This missense variant replaces asparagine with lysine at codon 591 of the CDH1 protein. To our knowledge, functional studies have not been reported for this variant. This variant has not been reported in individuals affected with hereditary cancer in the literature. This variant has not been identified in the general population by the Genome Aggregation Database (gnomAD). The available evidence is insufficient to determine the role of this variant in disease conclusively. Therefore, this variant is classified as a Variant of Uncertain Significance.

NM_004360.5(CDH1):c.1773C>A (p.Asn591Lys)

Gene: CDH1 (cadherin 1; plus strand). Cytogenetic location: 16q22.1.
Variant type: single nucleotide variant.
Coding change: c.1773C>A on transcript NM_004360.5 (MANE Select); coding-DNA position 1773, C replaced by A.
Protein change: p.Asn591Lys; replaces asparagine 591 with lysine.
Molecular consequence: missense variant. On other transcripts: 5 prime UTR variant (1).
Genome position (GRCh38, 1-based): chr16:68,822,062, C>A. VCF-style: chr16-68822062-C-A. GRCh37 (hg19) VCF-style: chr16-68855965-C-A.
Other names: c.1590C>A, p.Asn530Lys (NM_001317184.2); c.225C>A, p.Asn75Lys (NM_001317185.2); c.-193C>A (NM_001317186.2); short protein forms N75K, N530K, N591K.
Identifiers: ClinVar variation 2775038 (VCV002775038.2), dbSNP rs373719554, ClinGen allele CA396466583.